The following is an entry in ClinVar:

NM_001378120.1(MBD5):c.2839G>A (p.Gly947Arg)

Gene: MBD5 (methyl-CpG binding domain protein 5; plus strand). Cytogenetic location: 2q23.1.
Variant type: single nucleotide variant.
Coding change: c.2839G>A on transcript NM_001378120.1 (MANE Select); coding-DNA position 2839, G replaced by A.
Protein change: p.Gly947Arg; replaces glycine 947 with arginine.
Molecular consequence: missense variant.
Genome position (GRCh38, 1-based): chr2:148,483,430, G>A. VCF-style: chr2-148483430-G-A. GRCh37 (hg19) VCF-style: chr2-149240999-G-A.
Other names: c.2839G>A, p.Gly947Arg (NM_018328.5); short protein forms G947R.
Identifiers: ClinVar variation 2117612 (VCV002117612.4), dbSNP rs2469976236, ClinGen allele CA348722804.

ClinVar aggregate classification (germline): Uncertain significance (1 of 4 stars; one submission).

Conditions:
Intellectual developmental disorder, autosomal dominant 1. Also called: Intellectual disability, autosomal dominant 1; MBD5 Haploinsufficiency. Identifiers: Orphanet 228402, MedGen C1969562, MONDO:0007974, OMIM 156200.

Submission:

Labcorp Genetics (formerly Invitae), Labcorp
Classification: Uncertain significance for Intellectual developmental disorder, autosomal dominant 1. Last evaluated: 2024-02-24. Review status: criteria provided, single submitter. Criteria: Invitae Variant Classification Sherloc (09022015). Collection method: clinical testing. Allele origin: germline.
Comment: This sequence change replaces glycine, which is neutral and non-polar, with arginine, which is basic and polar, at codon 947 of the MBD5 protein (p.Gly947Arg). This variant is not present in population databases (gnomAD no frequency). This variant has not been reported in the literature in individuals affected with MBD5-related conditions. ClinVar contains an entry for this variant (Variation ID: 2117612). Advanced modeling of protein sequence and biophysical properties (such as structural, functional, and spatial information, amino acid conservation, physicochemical variation, residue mobility, and thermodynamic stability) performed at Invitae indicates that this missense variant is not expected to disrupt MBD5 protein function with a negative predictive value of 80%. In summary, the available evidence is currently insufficient to determine the role of this variant in disease. Therefore, it has been classified as a Variant of Uncertain Significance.